The following is an entry in ClinVar:

ClinVar aggregate classification (germline): Uncertain significance (1 of 4 stars; one submission).

Conditions:
Ellis-van Creveld syndrome (EVC). Also called: Chondroectodermal dysplasia; EVC-Related Ellis-van Creveld Syndrome; EVC2-Related Ellis-van Creveld Syndrome; MESOECTODERMAL DYSPLASIA. Identifiers: Orphanet 289, MedGen C0013903, MONDO:0009162, OMIM 225500.
Curry-Hall syndrome (WAD). Also called: WEYERS ACRODENTAL DYSOSTOSIS. Identifiers: Orphanet 952, MedGen C0457013, MONDO:0008673, OMIM 193530.

Allele frequency attached by ClinVar (database versions not stated): TOPMed below 0.00001; gnomAD exomes 0.00001.
gnomAD v4.1: 8 of 1,614,126 alleles (0.0005%); highest among the groups gnomAD compares: Non-Finnish European, 0.00068%; no homozygotes.

Submission:

Labcorp Genetics (formerly Invitae), Labcorp
Classification: Uncertain significance for Curry-Hall syndrome; Ellis-van Creveld syndrome. Last evaluated: 2021-11-03. Review status: criteria provided, single submitter. Criteria: Invitae Variant Classification Sherloc (09022015). Collection method: clinical testing. Allele origin: germline.
Comment: This sequence change replaces glycine, which is neutral and non-polar, with serine, which is neutral and polar, at codon 781 of the EVC2 protein (p.Gly781Ser). This variant is not present in population databases (gnomAD no frequency). This variant has not been reported in the literature in individuals affected with EVC2-related conditions. Algorithms developed to predict the effect of missense changes on protein structure and function output the following: SIFT: "Tolerated"; PolyPhen-2: "Benign"; Align-GVGD: "Class C0". The serine amino acid residue is found in multiple mammalian species, which suggests that this missense change does not adversely affect protein function. In summary, the available evidence is currently insufficient to determine the role of this variant in disease. Therefore, it has been classified as a Variant of Uncertain Significance.

NM_147127.5(EVC2):c.2341G>A (p.Gly781Ser)

Gene: EVC2 (EvC ciliary complex subunit 2; minus strand). Cytogenetic location: 4p16.2.
Variant type: single nucleotide variant.
Coding change: c.2341G>A on transcript NM_147127.5 (MANE Select); coding-DNA position 2341, G replaced by A.
Protein change: p.Gly781Ser; replaces glycine 781 with serine.
Molecular consequence: missense variant.
Genome position (GRCh38, 1-based): chr4:5,622,697, C>T on the plus strand (G>A on the coding strand, the complement: EVC2 is on the minus strand). VCF-style: chr4-5622697-C-T. GRCh37 (hg19) VCF-style: chr4-5624424-C-T.
Other names: c.2101G>A, p.Gly701Ser (NM_001166136.2); short protein forms G701S, G781S.
Identifiers: ClinVar variation 1423634 (VCV001423634.4), dbSNP rs1272970867, ClinGen allele CA356144644.